The following is an entry in ClinVar:

ClinVar aggregate classification (germline): Uncertain significance. Review status: criteria provided, multiple submitters, no conflicts (2 of 4 stars). 2 submissions from 2 submitters: Uncertain significance (2). Last evaluated 2024-08-19.

Allele frequency attached by ClinVar (database versions not stated): ExAC 0.00014; gnomAD 0.00014 and 0.00017; gnomAD exomes 0.00014; TOPMed 0.00014; ESP Exome Variant Server 0.00015; 1000 Genomes Project 0.00060; 1000 Genomes Project 30x 0.00062.
gnomAD v4.1: 316 of 1,613,796 alleles (0.02%); highest among the groups gnomAD compares: Middle Eastern, 0.033%; no homozygotes.

Submissions (2):

Ambry Genetics
Classification: Uncertain significance. Last evaluated: 2024-08-19. Review status: criteria provided, single submitter. Criteria: Ambry Variant Classification Scheme 2023. Collection method: clinical testing. Allele origin: germline.

Labcorp Genetics (formerly Invitae), Labcorp
Classification: Uncertain significance. Last evaluated: 2024-05-07. Review status: criteria provided, single submitter. Criteria: Invitae Variant Classification Sherloc (09022015). Collection method: clinical testing. Allele origin: germline.
Comment: This sequence change replaces arginine, which is basic and polar, with glutamine, which is neutral and polar, at codon 645 of the ADD3 protein (p.Arg645Gln). This variant is present in population databases (rs200035328, gnomAD 0.03%). This variant has not been reported in the literature in individuals affected with ADD3-related conditions. ClinVar contains an entry for this variant (Variation ID: 1508115). Algorithms developed to predict the effect of missense changes on protein structure and function output the following: SIFT: "Not Available"; PolyPhen-2: "Benign"; Align-GVGD: "Not Available". The glutamine amino acid residue is found in multiple mammalian species, which suggests that this missense change does not adversely affect protein function. Algorithms developed to predict the effect of sequence changes on RNA splicing suggest that this variant may create or strengthen a splice site. In summary, the available evidence is currently insufficient to determine the role of this variant in disease. Therefore, it has been classified as a Variant of Uncertain Significance.

NM_016824.5(ADD3):c.1934G>A (p.Arg645Gln)

Gene: ADD3 (adducin 3; plus strand). Cytogenetic location: 10q25.2.
Variant type: single nucleotide variant.
Coding change: c.1934G>A on transcript NM_016824.5 (MANE Select); coding-DNA position 1934, G replaced by A.
Protein change: p.Arg645Gln; replaces arginine 645 with glutamine.
Molecular consequence: missense variant.
Genome position (GRCh38, 1-based): chr10:110,133,431, G>A. VCF-style: chr10-110133431-G-A. GRCh37 (hg19) VCF-style: chr10-111893189-G-A.
Other names: c.1838G>A, p.Arg613Gln (NM_001121.4, NM_019903.5); c.1934G>A, p.Arg645Gln (NM_001320591.2, NM_001320592.2, NM_001320593.2); c.1700G>A, p.Arg567Gln (NM_001320594.2); c.1934G>A (NM_016824.3); short protein forms R567Q, R613Q, R645Q.
Identifiers: ClinVar variation 1508115 (VCV001508115.9), dbSNP rs200035328, ClinGen allele CA5686778.